The following is an entry in ClinVar:

NM_001197104.2(KMT2A):c.9382A>G (p.Met3128Val)

Gene: KMT2A (lysine methyltransferase 2A; plus strand). Cytogenetic location: 11q23.3.
Variant type: single nucleotide variant.
Coding change: c.9382A>G on transcript NM_001197104.2 (MANE Select); coding-DNA position 9382, A replaced by G.
Protein change: p.Met3128Val; replaces methionine 3128 with valine.
Molecular consequence: missense variant.
Genome position (GRCh38, 1-based): chr11:118,505,274, A>G. VCF-style: chr11-118505274-A-G. GRCh37 (hg19) VCF-style: chr11-118375989-A-G.
Other names: c.9472A>G, p.Met3158Val (NM_001412597.1); c.9373A>G, p.Met3125Val (NM_005933.4); short protein forms M3125V, M3158V, M3128V.
Identifiers: ClinVar variation 2041456 (VCV002041456.3), dbSNP rs2497018345, ClinGen allele CA382820221.
Genomic context (GRCh38, chr11:118,505,274, plus strand): 5'-ACCTCTTCTGTTAGTTCTACACCCAGTGTGATGGAGACAAATACTTCAGTATTGGGACCC[A>G]TGGGAGGTGGTCTCACCCTTACCACAGGACTAAATCCAAGCTTGCCAACTTCTCAATCTT-3'
Protein context (NP_001184033.1, residues 3118-3138): METNTSVLGP[Met3128Val]GGGLTLTTGL

ClinVar aggregate classification (germline): Uncertain significance (1 of 4 stars; one submission).

Allele frequency attached by ClinVar (database versions not stated): gnomAD exomes below 0.00001.
gnomAD v4.1: 8 of 1,614,256 alleles (0.0005%); highest among the groups gnomAD compares: African/African-American, 0.008%; no homozygotes.

Submission:

Labcorp Genetics (formerly Invitae), Labcorp
Classification: Uncertain significance. Last evaluated: 2024-03-20. Review status: criteria provided, single submitter. Criteria: Invitae Variant Classification Sherloc (09022015). Collection method: clinical testing. Allele origin: germline.
Comment: This sequence change replaces methionine, which is neutral and non-polar, with valine, which is neutral and non-polar, at codon 3128 of the KMT2A protein (p.Met3128Val). This variant is not present in population databases (gnomAD no frequency). This variant has not been reported in the literature in individuals affected with KMT2A-related conditions. ClinVar contains an entry for this variant (Variation ID: 2041456). Advanced modeling of protein sequence and biophysical properties (such as structural, functional, and spatial information, amino acid conservation, physicochemical variation, residue mobility, and thermodynamic stability) performed at Invitae indicates that this missense variant is not expected to disrupt KMT2A protein function with a negative predictive value of 95%. In summary, the available evidence is currently insufficient to determine the role of this variant in disease. Therefore, it has been classified as a Variant of Uncertain Significance.